The following is an entry in ClinVar:

ClinVar aggregate classification (germline): Conflicting classifications of pathogenicity. Review status: criteria provided, conflicting classifications (1 of 4 stars). 2 submissions from 2 submitters: Pathogenic (1); Likely benign (1). Last evaluated 2026-05-06.

Conditions:
Hereditary cancer-predisposing syndrome. Also called: Hereditary Cancer Syndrome; Hereditary neoplastic syndrome; Neoplastic Syndromes, Hereditary; Tumor predisposition. Identifiers: Orphanet 140162, MedGen C0027672, MeSH D009386, MONDO:0015356.

Submissions (2):

GeneDx
Classification: Pathogenic. Last evaluated: 2026-05-06. Review status: criteria provided, single submitter. Criteria: GeneDx Variant Classification Process June 2021. Collection method: clinical testing. Allele origin: germline.
Comment: Not observed at significant frequency in large population cohorts (gnomAD); In silico analysis supports that this missense variant has a deleterious effect on protein structure/function; Has not been previously published as pathogenic or benign to our knowledge; This variant is associated with the following publications: (PMID: 38969833)

Ambry Genetics
Classification: Likely benign for Hereditary cancer-predisposing syndrome. Last evaluated: 2025-05-09. Review status: criteria provided, single submitter. Criteria: Ambry Variant Classification Scheme 2023. Collection method: clinical testing. Allele origin: germline.

Literature cited by the submitters: PubMed 38969833 (cited by Ambry Genetics).

NM_004656.4(BAP1):c.170G>A (p.Arg57Gln)

Gene: BAP1 (BRCA1 associated deubiquitinase 1; minus strand). Cytogenetic location: 3p21.1.
Variant type: single nucleotide variant.
Coding change: c.170G>A on transcript NM_004656.4 (MANE Select); coding-DNA position 170, G replaced by A.
Protein change: p.Arg57Gln; replaces arginine 57 with glutamine.
Molecular consequence: missense variant.
Genome position (GRCh38, 1-based): chr3:52,408,559, C>T on the plus strand (G>A on the coding strand, the complement: BAP1 is on the minus strand). VCF-style: chr3-52408559-C-T. GRCh37 (hg19) VCF-style: chr3-52442575-C-T.
Other names: c.170G>A, p.Arg57Gln (NM_001410772.1); short protein forms R57Q.
Identifiers: ClinVar variation 3361887 (VCV003361887.3).